The following is an entry in ClinVar:

ClinVar aggregate classification (germline): Uncertain significance (1 of 4 stars; one submission).

Submission:

Women's Health and Genetics/Laboratory Corporation of America, LabCorp
Classification: Uncertain significance. Last evaluated: 2024-10-31. Review status: criteria provided, single submitter. Criteria: LabCorp Variant Classification Summary - May 2015. Collection method: clinical testing. Allele origin: germline.
Comment: Variant summary: TRIP12 c.2141G>C (p.Gly714Ala) results in a non-conservative amino acid change in the encoded protein sequence. Three of five in-silico tools predict a damaging effect of the variant on protein function. The variant was absent in 250624 control chromosomes. The available data on variant occurrences in the general population are insufficient to allow any conclusion about variant significance. To our knowledge, no occurrence of c.2141G>C in individuals affected with Clark-Baraitser Syndrome and no experimental evidence demonstrating its impact on protein function have been reported. No submitters have cited clinical-significance assessments for this variant to ClinVar. Based on the evidence outlined above, the variant was classified as uncertain significance.

NM_001348323.3(TRIP12):c.2141G>C (p.Gly714Ala)

Gene: TRIP12 (thyroid hormone receptor interactor 12; minus strand). Cytogenetic location: 2q36.3.
Variant type: single nucleotide variant.
Coding change: c.2141G>C on transcript NM_001348323.3 (MANE Select); coding-DNA position 2141, G replaced by C.
Protein change: p.Gly714Ala; replaces glycine 714 with alanine.
Molecular consequence: missense variant.
Genome position (GRCh38, 1-based): chr2:229,810,960, C>G on the plus strand (G>C on the coding strand, the complement: TRIP12 is on the minus strand). VCF-style: chr2-229810960-C-G. GRCh37 (hg19) VCF-style: chr2-230675676-C-G.
Other names: c.2141G>C, p.Gly714Ala (NM_001284214.2, NM_001348315.2, NM_001348319.1 and 11 more transcripts); c.2015G>C, p.Gly672Ala (NM_001284215.2, NM_001348316.2, NM_001348317.1 and 2 more transcripts); c.1106G>C, p.Gly369Ala (NM_001284216.2); c.2054G>C, p.Gly685Ala (NM_001348332.1); c.1997G>C, p.Gly666Ala (NM_004238.3); short protein forms G369A, G666A, G672A, G685A, G714A.
Identifiers: ClinVar variation 3385061 (VCV003385061.1).